The following is an entry in ClinVar:

ClinVar aggregate classification (germline): Pathogenic/Likely pathogenic. Review status: criteria provided, multiple submitters, no conflicts (2 of 4 stars). 4 submissions from 4 submitters: Pathogenic (1); Likely pathogenic (1). 2 of the submissions do not count toward it. Last evaluated 2025-12-15.

Conditions:
Joubert syndrome. Also called: Familial aplasia of the vermis; CEREBELLOPARENCHYMAL DISORDER IV; JOUBERT-BOLTSHAUSER SYNDROME. Identifiers: Orphanet 475, MedGen C5979921, MONDO:0018772.

Submissions (4):

Labcorp Genetics (formerly Invitae), Labcorp
Classification: Pathogenic for Joubert syndrome. Last evaluated: 2025-12-15. Review status: criteria provided, single submitter. Criteria: Invitae Variant Classification Sherloc (09022015). Collection method: clinical testing. Allele origin: germline.
Comment: This sequence change creates a premature translational stop signal (p.Leu33Thrfs*9) in the AHI1 gene. It is expected to result in an absent or disrupted protein product. Loss-of-function variants in AHI1 are known to be pathogenic (PMID: 15322546, 16453322, 28442542, 29186038). This variant is present in population databases (rs747322175, gnomAD 0.004%). This variant has not been reported in the literature in individuals affected with AHI1-related conditions. ClinVar contains an entry for this variant (Variation ID: 631974). For these reasons, this variant has been classified as Pathogenic.

GeneDx
Classification: Likely pathogenic. Last evaluated: 2019-01-14. Review status: criteria provided, single submitter. Criteria: GeneDx Variant Classification (06012015). Collection method: clinical testing. Allele origin: germline. Affected: yes.
Comment: The c.96dupA variant in the AHI1 gene has not been reported previously as a pathogenic variant nor as a benign variant, to our knowledge. The c.96dupA variant causes a frameshift starting with codon Leucine 33, changes this amino acid to a Threonine residue, and creates a premature Stop codon at position 9 of the new reading frame, denoted p.Leu33ThrfsX9. This variant is predicted to cause loss of normal protein function either through protein truncation or nonsense-mediated mRNA decay. The c.96dupA variant is not observed at a significant frequency in large population cohorts (Lek et al., 2016). We interpret c.96dupA as a likely pathogenic variant.

Clinical Genetics, Academic Medical Center
Classification: Pathogenic. Review status: no assertion criteria provided. Collection method: clinical testing. Allele origin: germline. Affected: yes. Study: VKGL Data-share Consensus. Not counted in ClinVar's aggregate classification.

Diagnostic Laboratory, Department of Genetics, University Medical Center Groningen
Classification: Pathogenic. Review status: no assertion criteria provided. Collection method: clinical testing. Allele origin: germline. Affected: yes. Study: VKGL Data-share Consensus. Not counted in ClinVar's aggregate classification.

Literature cited by the submitters: PubMed 15322546 (cited by Labcorp Genetics (formerly Invitae), Labcorp); PubMed 16453322 (cited by Labcorp Genetics (formerly Invitae), Labcorp); PubMed 28442542 (cited by Labcorp Genetics (formerly Invitae), Labcorp); PubMed 29186038 (cited by Labcorp Genetics (formerly Invitae), Labcorp).

NM_001134831.2(AHI1):c.96dup (p.Leu33fs)

Gene: AHI1 (Abelson helper integration site 1; minus strand). Cytogenetic location: 6q23.3.
Variant type: Duplication.
Coding change: c.96dup on transcript NM_001134831.2 (MANE Select); coding-DNA position 96, one base duplicated (A; older notation c.96dupA).
Protein change: p.Leu33fs; shifts the reading frame from leucine 33.
Molecular consequence: frameshift variant.
Genome position (GRCh38, 1-based): chr6:135,490,662, T duplicated on the plus strand (A on the coding strand, the reverse complement: AHI1 is on the minus strand); the first of 6 consecutive T bases (chr6:135,490,662-135,490,667); duplicating any one gives the same sequence. VCF-style (leftmost placement, unchanged base first): chr6-135490661-G-GT. GRCh37 (hg19) VCF-style: chr6-135811799-G-GT.
Other names: c.96dup, p.Leu33fs (NM_001134830.2, NM_001134832.2, NM_001350503.2 and 2 more transcripts); c.96dupA (NM_017651.4); short protein forms L33fs.
Identifiers: ClinVar variation 631974 (VCV000631974.11), dbSNP rs747322175, ClinGen allele CA4012952.